The following is an entry in ClinVar:

NM_004446.3(EPRS1):c.61G>A (p.Val21Ile)

Gene: EPRS1 (glutamyl-prolyl-tRNA synthetase 1; minus strand). Cytogenetic location: 1q41.
Variant type: single nucleotide variant.
Coding change: c.61G>A on transcript NM_004446.3 (MANE Select); coding-DNA position 61, G replaced by A.
Protein change: p.Val21Ile; replaces valine 21 with isoleucine.
Molecular consequence: missense variant.
Genome position (GRCh38, 1-based): chr1:220,040,255, C>T on the plus strand (G>A on the coding strand, the complement: EPRS1 is on the minus strand). VCF-style: chr1-220040255-C-T. GRCh37 (hg19) VCF-style: chr1-220213597-C-T.
Other names: short protein forms V21I.
Identifiers: ClinVar variation 1959238 (VCV001959238.5), dbSNP rs1239726785, ClinGen allele CA344642030.

ClinVar aggregate classification (germline): Uncertain significance (1 of 4 stars; one submission).

Allele frequency attached by ClinVar (database versions not stated): gnomAD exomes below 0.00001.
gnomAD v4.1: 1 of 1,603,782 alleles (0.000062%); highest among the groups gnomAD compares: Admixed American, 0.0017%; no homozygotes.

Submission:

Labcorp Genetics (formerly Invitae), Labcorp
Classification: Uncertain significance. Last evaluated: 2022-06-17. Review status: criteria provided, single submitter. Criteria: Invitae Variant Classification Sherloc (09022015). Collection method: clinical testing. Allele origin: germline.
Comment: This sequence change replaces valine, which is neutral and non-polar, with isoleucine, which is neutral and non-polar, at codon 21 of the EPRS protein (p.Val21Ile). In summary, the available evidence is currently insufficient to determine the role of this variant in disease. Therefore, it has been classified as a Variant of Uncertain Significance. Algorithms developed to predict the effect of missense changes on protein structure and function (SIFT, PolyPhen-2, Align-GVGD) all suggest that this variant is likely to be tolerated. This variant has not been reported in the literature in individuals affected with EPRS-related conditions. This variant is present in population databases (no rsID available, gnomAD 0.003%).